The following is an entry in ClinVar:

NM_057175.5(NAA15):c.878C>T (p.Pro293Leu)

Gene: NAA15 (N-alpha-acetyltransferase 15, NatA auxiliary subunit; plus strand). Cytogenetic location: 4q31.1.
Variant type: single nucleotide variant.
Coding change: c.878C>T on transcript NM_057175.5 (MANE Select); coding-DNA position 878, C replaced by T.
Protein change: p.Pro293Leu; replaces proline 293 with leucine.
Molecular consequence: missense variant.
Genome position (GRCh38, 1-based): chr4:139,351,257, C>T. VCF-style: chr4-139351257-C-T. GRCh37 (hg19) VCF-style: chr4-140272411-C-T.
Other names: c.878C>T, p.Pro293Leu (NM_001410842.1); short protein forms P293L.
Identifiers: ClinVar variation 4681602 (VCV004681602.5).

ClinVar aggregate classification (germline): Uncertain significance (1 of 4 stars; one submission).

gnomAD v4.1: 1 of 1,609,244 alleles (0.000062%); highest among the groups gnomAD compares: Non-Finnish European, 0.000085%; no homozygotes.

Submission:

CeGaT Center for Human Genetics Tuebingen
Classification: Uncertain significance. Last evaluated: 2025-12-01. Review status: criteria provided, single submitter. Criteria: CeGaT Center For Human Genetics Tuebingen Variant Classification Criteria Version 2. Collection method: clinical testing. Allele origin: germline. Affected: yes. Observed: 1 variant allele.
Comment: NAA15: PM2